The following is an entry in ClinVar:

ClinVar aggregate classification (germline): Pathogenic (1 of 4 stars; one submission).

Submission:

Labcorp Genetics (formerly Invitae), Labcorp
Classification: Pathogenic. Last evaluated: 2024-02-28. Review status: criteria provided, single submitter. Criteria: Invitae Variant Classification Sherloc (09022015). Collection method: clinical testing. Allele origin: germline.
Comment: This sequence change creates a premature translational stop signal (p.Gln289Argfs*2) in the SERPINH1 gene. It is expected to result in an absent or disrupted protein product. Loss-of-function variants in SERPINH1 are known to be pathogenic (PMID: 20188343, 27677223, 27838364). This variant is present in population databases (no rsID available, gnomAD 0.0009%). This variant has not been reported in the literature in individuals affected with SERPINH1-related conditions. For these reasons, this variant has been classified as Pathogenic.

Literature cited by the submitters: PubMed 20188343; PubMed 27677223; PubMed 27838364.

NM_001235.5(SERPINH1):c.866del (p.Gln289fs)

Gene: SERPINH1 (serpin family H member 1; plus strand). Cytogenetic location: 11q13.5.
Variant type: Deletion.
Coding change: c.866del on transcript NM_001235.5 (MANE Select); coding-DNA position 866, one base deleted (A; older notation c.866delA).
Protein change: p.Gln289fs; shifts the reading frame from glutamine 289.
Molecular consequence: frameshift variant.
Genome position (GRCh38, 1-based): chr11:75,569,083, A deleted. VCF-style (leftmost placement, unchanged base first): chr11-75569082-CA-C. GRCh37 (hg19) VCF-style: chr11-75280127-CA-C.
Other names: c.866del, p.Gln289fs (NM_001207014.3); short protein forms Q289fs.
Identifiers: ClinVar variation 3710879 (VCV003710879.2).